The following is an entry in ClinVar:

ClinVar aggregate classification (germline): Uncertain significance (1 of 4 stars; one submission).

Conditions:
Combined immunodeficiency due to DOCK8 deficiency (HIES2). Also called: HYPER-IgE SYNDROME 2, AUTOSOMAL RECESSIVE, WITH RECURRENT INFECTIONS; HYPER-IgE RECURRENT INFECTION SYNDROME 2, AUTOSOMAL RECESSIVE; Hyper-IgE recurrent infection syndrome, autosomal recessive; DOCK8 Deficiency; HIES autosomal recessive. Identifiers: Orphanet 217390, MedGen C4722305, MONDO:0009478, OMIM 243700.

Allele frequency attached by ClinVar (database versions not stated): TOPMed below 0.00001; gnomAD exomes 0.00001.
gnomAD v4.1: 6 of 1,614,082 alleles (0.00037%); highest among the groups gnomAD compares: Admixed American, 0.01%; no homozygotes.

Submission:

Labcorp Genetics (formerly Invitae), Labcorp
Classification: Uncertain significance for Combined immunodeficiency due to DOCK8 deficiency. Last evaluated: 2022-02-10. Review status: criteria provided, single submitter. Criteria: Invitae Variant Classification Sherloc (09022015). Collection method: clinical testing. Allele origin: germline.
Comment: This sequence change replaces tyrosine, which is neutral and polar, with cysteine, which is neutral and slightly polar, at codon 615 of the DOCK8 protein (p.Tyr615Cys). This variant is present in population databases (no rsID available, gnomAD 0.01%). This variant has not been reported in the literature in individuals affected with DOCK8-related conditions. Algorithms developed to predict the effect of missense changes on protein structure and function (SIFT, PolyPhen-2, Align-GVGD) all suggest that this variant is likely to be tolerated. In summary, the available evidence is currently insufficient to determine the role of this variant in disease. Therefore, it has been classified as a Variant of Uncertain Significance.

NM_203447.4(DOCK8):c.1844A>G (p.Tyr615Cys)

Gene: DOCK8 (dedicator of cytokinesis 8; plus strand). Cytogenetic location: 9p24.3.
Variant type: single nucleotide variant.
Coding change: c.1844A>G on transcript NM_203447.4 (MANE Select); coding-DNA position 1844, A replaced by G.
Protein change: p.Tyr615Cys; replaces tyrosine 615 with cysteine.
Molecular consequence: missense variant.
Genome position (GRCh38, 1-based): chr9:370,276, A>G. VCF-style: chr9-370276-A-G. GRCh37 (hg19) VCF-style: chr9-370276-A-G.
Other names: c.1640A>G, p.Tyr547Cys (NM_001190458.2, NM_001193536.2); short protein forms Y547C, Y615C.
Identifiers: ClinVar variation 2058961 (VCV002058961.1), dbSNP rs967066213, ClinGen allele CA187807170.